The following is an entry in ClinVar:

NM_000278.5(PAX2):c.148C>G (p.Arg50Gly)

Gene: PAX2 (paired box 2; plus strand). Cytogenetic location: 10q24.31.
Variant type: single nucleotide variant.
Coding change: c.148C>G on transcript NM_000278.5 (MANE Select); coding-DNA position 148, C replaced by G.
Protein change: p.Arg50Gly; replaces arginine 50 with glycine.
Molecular consequence: missense variant.
Genome position (GRCh38, 1-based): chr10:100,749,850, C>G. VCF-style: chr10-100749850-C-G. GRCh37 (hg19) VCF-style: chr10-102509607-C-G.
Other names: c.241C>G, p.Arg81Gly (NM_001304569.2); c.148C>G, p.Arg50Gly (NM_003987.5, NM_003988.5, NM_003989.5 and 1 more transcripts); short protein forms R81G, R50G.
Identifiers: ClinVar variation 3304467 (VCV003304467.2).

ClinVar aggregate classification (germline): Likely pathogenic (1 of 4 stars; one submission).

Conditions:
Inborn genetic diseases. Identifiers: MedGen C0950123, MeSH D030342.

Submission:

Ambry Genetics
Classification: Likely pathogenic for Inborn genetic diseases. Last evaluated: 2024-07-29. Review status: criteria provided, single submitter. Criteria: Ambry Variant Classification Scheme 2023. Collection method: clinical testing. Allele origin: germline.
Comment: The c.148C>G (p.R50G) alteration is located in exon 2 (coding exon 2) of the PAX2 gene. This alteration results from a C to G substitution at nucleotide position 148, causing the arginine (R) at amino acid position 50 to be replaced by a glycine (G). This variant was not reported in population-based cohorts in the Genome Aggregation Database (gnomAD). Another alteration at the same codon, c.148C>T (p.Arg50Trp), has been described in siblings with nephrotic proteinuria, hearing loss, diffuse lesions in both kidneys, and end stage renal disease (Wang, 2021). This amino acid position is highly conserved in available vertebrate species. This missense alteration is located in a region that has a low rate of benign missense variation (Lek, 2016; Firth, 2009). This alteration is predicted to be deleterious by in silico analysis. Based on the available evidence, this alteration is classified as likely pathogenic.

Literature cited by the submitters: PubMed 34215756.